The following is an entry in ClinVar:

NM_170741.4(KCNJ16):c.401A>G (p.Tyr134Cys)

Gene: KCNJ16 (potassium inwardly rectifying channel subfamily J member 16; plus strand). Cytogenetic location: 17q24.3.
Variant type: single nucleotide variant.
Coding change: c.401A>G on transcript NM_170741.4 (MANE Select); coding-DNA position 401, A replaced by G.
Protein change: p.Tyr134Cys; replaces tyrosine 134 with cysteine.
Molecular consequence: missense variant.
Genome position (GRCh38, 1-based): chr17:70,132,488, A>G. VCF-style: chr17-70132488-A-G. GRCh37 (hg19) VCF-style: chr17-68128629-A-G.
Other names: c.401A>G, p.Tyr134Cys (NM_001270422.2, NM_001291622.3, NM_001291623.2 and 4 more transcripts); short protein forms Y134C.
Identifiers: ClinVar variation 3906421 (VCV003906421.1).

ClinVar aggregate classification (germline): Uncertain significance (1 of 4 stars; one submission).

gnomAD v4.1: 4 of 1,614,036 alleles (0.00025%); highest among the groups gnomAD compares: African/African-American, 0.004%; no homozygotes.

Submission:

GeneDx
Classification: Uncertain significance. Last evaluated: 2024-12-22. Review status: criteria provided, single submitter. Criteria: GeneDx Variant Classification Process June 2021. Collection method: clinical testing. Allele origin: germline. Affected: yes.
Comment: In silico analysis supports that this missense variant has a deleterious effect on protein structure/function; Has not been previously published as pathogenic or benign to our knowledge